The following is an entry in ClinVar:

NM_014908.4(DOLK):c.1574A>G (p.Asn525Ser)

Gene: DOLK (dolichol kinase; minus strand). Cytogenetic location: 9q34.11.
Variant type: single nucleotide variant.
Coding change: c.1574A>G on transcript NM_014908.4 (MANE Select); coding-DNA position 1574, A replaced by G.
Protein change: p.Asn525Ser; replaces asparagine 525 with serine.
Molecular consequence: missense variant.
Genome position (GRCh38, 1-based): chr9:128,945,730, T>C on the plus strand (A>G on the coding strand, the complement: DOLK is on the minus strand). VCF-style: chr9-128945730-T-C. GRCh37 (hg19) VCF-style: chr9-131708009-T-C.
Other names: short protein forms N525S.
Identifiers: ClinVar variation 2145876 (VCV002145876.4), dbSNP rs2492002425, ClinGen allele CA375115475.

ClinVar aggregate classification (germline): Uncertain significance (1 of 4 stars; one submission).

Conditions:
DK1-congenital disorder of glycosylation. Also called: DK1 DEFICIENCY; DOLICHOL KINASE DEFICIENCY; DOLK-congenital disorder of glycosylation; Carbohydrate deficient glycoprotein syndrome type 1m; DK1-CDG; CONGENITAL DISORDER OF GLYCOSYLATION, TYPE Im. Identifiers: Orphanet 91131, MedGen C1835849, MONDO:0012556, OMIM 610768.

Allele frequency attached by ClinVar (database versions not stated): gnomAD exomes below 0.00001.

Submission:

Labcorp Genetics (formerly Invitae), Labcorp
Classification: Uncertain significance for DK1-congenital disorder of glycosylation. Last evaluated: 2026-01-12. Review status: criteria provided, single submitter. Criteria: Invitae Variant Classification Sherloc (09022015). Collection method: clinical testing. Allele origin: germline.
Comment: This sequence change replaces asparagine, which is neutral and polar, with serine, which is neutral and polar, at codon 525 of the DOLK protein (p.Asn525Ser). This variant is not present in population databases (gnomAD no frequency). This variant has not been reported in the literature in individuals affected with DOLK-related conditions. ClinVar contains an entry for this variant (Variation ID: 2145876). Invitae Evidence Modeling of protein sequence and biophysical properties (such as structural, functional, and spatial information, amino acid conservation, physicochemical variation, residue mobility, and thermodynamic stability) indicates that this missense variant is expected to disrupt DOLK protein function with a positive predictive value of 80%. In summary, the available evidence is currently insufficient to determine the role of this variant in disease. Therefore, it has been classified as a Variant of Uncertain Significance.